The following is an entry in ClinVar:

ClinVar aggregate classification (germline): Uncertain significance (1 of 4 stars; one submission).

Conditions:
Immunodeficiency 31B. Also called: STAT1 DEFICIENCY, AUTOSOMAL RECESSIVE; IMMUNODEFICIENCY 31B, MYCOBACTERIAL AND VIRAL INFECTIONS, AUTOSOMAL RECESSIVE. Identifiers: Orphanet 391311, MedGen C3151088, MONDO:0013427, OMIM 613796.
Autoimmune enteropathy and endocrinopathy - susceptibility to chronic infections syndrome. Also called: Immunodeficiency 31C; Immunodeficiency 31C, autosomal dominant. Identifiers: Orphanet 391487, MedGen C3279990, MONDO:0013599, OMIM 614162.
Mendelian susceptibility to mycobacterial diseases due to partial STAT1 deficiency. Also called: IMMUNODEFICIENCY 31A, MYCOBACTERIOSIS, AUTOSOMAL DOMINANT; STAT1 DEFICIENCY, AUTOSOMAL DOMINANT; Immunodeficiency 31a. Identifiers: Orphanet 319595, MedGen C4013950, MONDO:0013956, OMIM 614892.

Allele frequency attached by ClinVar (database versions not stated): gnomAD exomes 0.00001 and 0.00003; ExAC 0.00002; TOPMed 0.00002; gnomAD 0.00003; ESP Exome Variant Server 0.00015.

Submission:

Labcorp Genetics (formerly Invitae), Labcorp
Classification: Uncertain significance for Mendelian susceptibility to mycobacterial diseases due to partial STAT1 deficiency; Immunodeficiency 31B; Autoimmune enteropathy and endocrinopathy - susceptibility to chronic infections syndrome. Last evaluated: 2024-11-05. Review status: criteria provided, single submitter. Criteria: Invitae Variant Classification Sherloc (09022015). Collection method: clinical testing. Allele origin: germline.
Comment: This sequence change replaces valine, which is neutral and non-polar, with leucine, which is neutral and non-polar, at codon 300 of the STAT1 protein (p.Val300Leu). This variant is present in population databases (rs143131630, gnomAD 0.02%). This variant has not been reported in the literature in individuals affected with STAT1-related conditions. ClinVar contains an entry for this variant (Variation ID: 1373361). An algorithm developed to predict the effect of missense changes on protein structure and function (PolyPhen-2) suggests that this variant is likely to be tolerated. In summary, the available evidence is currently insufficient to determine the role of this variant in disease. Therefore, it has been classified as a Variant of Uncertain Significance.

NM_007315.4(STAT1):c.898G>C (p.Val300Leu)

Gene: STAT1 (signal transducer and activator of transcription 1; minus strand). Cytogenetic location: 2q32.2.
Variant type: single nucleotide variant.
Coding change: c.898G>C on transcript NM_007315.4 (MANE Select); coding-DNA position 898, G replaced by C.
Protein change: p.Val300Leu; replaces valine 300 with leucine.
Molecular consequence: missense variant. On other transcripts: intron variant (1).
Genome position (GRCh38, 1-based): chr2:190,995,107, C>G on the plus strand (G>C on the coding strand, the complement: STAT1 is on the minus strand). VCF-style: chr2-190995107-C-G. GRCh37 (hg19) VCF-style: chr2-191859833-C-G.
Other names: c.898G>C, p.Val300Leu (NM_001384880.1, NM_001384882.1, NM_001384886.1 and 4 more transcripts); c.904G>C, p.Val302Leu (NM_001384881.1, NM_001384884.1); c.799G>C, p.Val267Leu (NM_001384883.1); c.808G>C, p.Val270Leu (NM_001384890.1); c.934G>C, p.Val312Leu (NM_001384891.1); c.785+2749G>C (NM_001384885.1); short protein forms V312L, V267L, V270L, V302L, V300L.
Identifiers: ClinVar variation 1373361 (VCV001373361.6), dbSNP rs143131630, ClinGen allele CA2030128.